The following is an entry in ClinVar:

NM_001009944.3(PKD1):c.2376_2382del (p.Pro793fs)

Gene: PKD1 (polycystin 1, transient receptor potential channel interacting; minus strand). Cytogenetic location: 16p13.3.
Variant type: Deletion.
Coding change: c.2376_2382del on transcript NM_001009944.3 (MANE Select); coding-DNA positions 2376 to 2382, 7 bases deleted (GCCTGGG; older notation c.2376_2382delGCCTGGG).
Protein change: p.Pro793fs; shifts the reading frame from proline 793.
Molecular consequence: frameshift variant.
Genome position (GRCh38, 1-based): chr16:2,114,641-2,114,647, CCCAGGC deleted on the plus strand (GCCTGGG on the coding strand, the reverse complement: PKD1 is on the minus strand). VCF-style (leftmost placement, unchanged base first): chr16-2114640-GCCCAGGC-G. GRCh37 (hg19) VCF-style: chr16-2164641-GCCCAGGC-G.
Other names: c.2376_2382del, p.Pro793fs (NM_000296.4); short protein forms P793fs.
Identifiers: ClinVar variation 977305 (VCV000977305.1), dbSNP rs2092599090, ClinGen allele CA1139664358.
Genomic context (GRCh38, chr16:2,114,640, plus strand): 5'-AGCTGCAGGAGAGGTTGTGCCTGGACACGCCATTGCCCACCTCTGCCCGGACCTCATAGC[GCCCAGGC>G]AGCCGCAGTCCAGGGTTGGGCCTCAAGCCCAGCAGCACGGTGAGCTGTTCCGTGGCTGCA-3'

ClinVar aggregate classification (germline): Pathogenic (1 of 4 stars; one submission).

Conditions:
Polycystic kidney disease. Also called: Polycystic kidney dysplasia; Kidney, Polycystic. Identifiers: MedGen C0022680, MeSH D007690, MONDO:0020642, HP:0000113.

Submission:

Cavalleri Lab, Royal College of Surgeons in Ireland
Classification: Pathogenic for Polycystic kidney disease. Last evaluated: 2020-05-28. Review status: criteria provided, single submitter. Criteria: ACMG Guidelines, 2015. Collection method: research. Allele origin: unknown. Inheritance: Autosomal dominant inheritance. Affected: yes. Observed: 1 variant allele.
Comment: PVS1, PM2, PP4